The following is an entry in ClinVar:

ClinVar aggregate classification (germline): Likely pathogenic (1 of 4 stars; one submission).

Conditions:
Bardet-Biedl syndrome (BBS). Identifiers: Orphanet 110, MedGen C0752166, MONDO:0015229.

Allele frequency attached by ClinVar (database versions not stated): gnomAD exomes below 0.00001.
gnomAD v4.1: 1 of 1,610,264 alleles (0.000062%); highest among the groups gnomAD compares: Non-Finnish European, 0.000085%; no homozygotes.

Submission:

Women's Health and Genetics/Laboratory Corporation of America, LabCorp
Classification: Likely pathogenic for Bardet-Biedl syndrome. Last evaluated: 2022-11-23. Review status: criteria provided, single submitter. Criteria: LabCorp Variant Classification Summary - May 2015. Collection method: clinical testing. Allele origin: germline.
Comment: Variant summary: BBS5 c.82G>T (p.Glu28X) results in a premature termination codon, predicted to cause a truncation of the encoded protein or absence of the protein due to nonsense mediated decay, which are commonly known mechanisms for disease. The variant was absent in 251288 control chromosomes (gnomAD). To our knowledge, no occurrence of c.82G>T in individuals affected with Bardet-Biedl Syndrome and no experimental evidence demonstrating its impact on protein function have been reported. No clinical diagnostic laboratories have submitted clinical-significance assessments for this variant to ClinVar after 2014. Based on the evidence outlined above, the variant was classified as likely pathogenic.

NM_152384.3(BBS5):c.82G>T (p.Glu28Ter)

Gene: BBS5 (Bardet-Biedl syndrome 5; plus strand). Cytogenetic location: 2q31.1.
Variant type: single nucleotide variant.
Coding change: c.82G>T on transcript NM_152384.3 (MANE Select); coding-DNA position 82, G replaced by T.
Protein change: p.Glu28Ter; replaces glutamic acid 28 with a stop codon.
Molecular consequence: nonsense.
Genome position (GRCh38, 1-based): chr2:169,482,273, G>T. VCF-style: chr2-169482273-G-T. GRCh37 (hg19) VCF-style: chr2-170338783-G-T.
Other names: short protein forms E28*.
Identifiers: ClinVar variation 1804859 (VCV001804859.1), dbSNP rs2468033187, ClinGen allele CA349159778.